The following is an entry in ClinVar:

NM_003742.4(ABCB11):c.1084-19CT[3]

Gene: ABCB11 (ATP binding cassette subfamily B member 11; minus strand). Cytogenetic location: 2q31.1.
Variant type: Microsatellite.
Coding change: c.1084-19CT[3] on transcript NM_003742.4 (MANE Select); three copies in a row of the 2-base unit CT starting at c.1084-19; the reference has four copies in a row; one copy, 2 bases deleted.
Molecular consequence: intron variant.
Genome position (GRCh38, 1-based): chr2:168,979,991-168,979,992, AG deleted on the plus strand (CT on the coding strand, the reverse complement: ABCB11 is on the minus strand); deleting any 2 consecutive bases within chr2:168,979,991-168,979,999 gives the same sequence; the position shown is the placement nearest the transcript's 3' end. VCF-style (leftmost placement, unchanged base first): chr2-168979990-AAG-A. GRCh37 (hg19) VCF-style: chr2-169836500-AAG-A.
Other names: c.1084-13_1084-12delCT (NM_003742.2).
Identifiers: ClinVar variation 508962 (VCV000508962.4), dbSNP rs538484351, ClinGen allele CA1951692.

ClinVar aggregate classification (germline): Likely benign. Review status: criteria provided, multiple submitters, no conflicts (2 of 4 stars). 2 submissions from 2 submitters: Likely benign (2). Last evaluated 2025-12-17.

Submissions (2):

Labcorp Genetics (formerly Invitae), Labcorp
Classification: Likely benign. Last evaluated: 2025-12-17. Review status: criteria provided, single submitter. Criteria: Invitae Variant Classification Sherloc (09022015). Collection method: clinical testing. Allele origin: germline.

GeneDx
Classification: Likely benign. Last evaluated: 2017-04-28. Review status: criteria provided, single submitter. Criteria: GeneDx Variant Classification (06012015). Collection method: clinical testing. Allele origin: germline. Affected: yes.
Comment: This variant is considered likely benign or benign based on one or more of the following criteria: it is a conservative change, it occurs at a poorly conserved position in the protein, it is predicted to be benign by multiple in silico algorithms, and/or has population frequency not consistent with disease.